The following is an entry in ClinVar:

NM_001130987.2(DYSF):c.4983G>T (p.Thr1661=)

Gene: DYSF (dysferlin; plus strand). Cytogenetic location: 2p13.2.
Variant type: single nucleotide variant.
Coding change: c.4983G>T on transcript NM_001130987.2 (MANE Select); coding-DNA position 4983, G replaced by T.
Protein change: p.Thr1661=; no amino-acid change (threonine 1661 retained).
Molecular consequence: synonymous variant.
Genome position (GRCh38, 1-based): chr2:71,660,631, G>T. VCF-style: chr2-71660631-G-T. GRCh37 (hg19) VCF-style: chr2-71887761-G-T.
Other names: p.Thr1622=; c.4869G>T, p.Thr1623= (NM_001130455.2); c.4824G>T, p.Thr1608= (NM_001130976.2); c.4887G>T, p.Thr1629= (NM_001130977.2); c.4929G>T, p.Thr1643= (NM_001130978.2); c.4959G>T, p.Thr1653= (NM_001130979.2); c.4917G>T, p.Thr1639= (NM_001130980.2); c.4980G>T, p.Thr1660= (NM_001130981.2); and 6 more.
Identifiers: ClinVar variation 285343 (VCV000285343.22), dbSNP rs142301132, ClinGen allele CA1707204.

ClinVar aggregate classification (germline): Conflicting classifications of pathogenicity. Review status: criteria provided, conflicting classifications (1 of 4 stars). 6 submissions from 6 submitters: Uncertain significance (2); Likely benign (2). 2 of the submissions do not count toward it. Last evaluated 2025-12-16.

Conditions:
DYSF-related disorder. Also called: DYSF-related condition; DYSF-related disorders.
Neuromuscular disease caused by qualitative or quantitative defects of dysferlin. Also called: Dysferlinopathy; Qualitative or quantitative defects of dysferlin. Identifiers: Orphanet 207073, MedGen C2931687, MONDO:0016145.
Autosomal recessive limb-girdle muscular dystrophy type 2B (LGMDR2). Also called: MUSCULAR DYSTROPHY, LIMB-GIRDLE, AUTOSOMAL RECESSIVE 2; Limb-girdle muscular dystrophy, type 2B; Limb-Girdle Muscular Dystrophy Type 2B (LGMD2B); MUSCULAR DYSTROPHY, LIMB-GIRDLE, TYPE 3. Identifiers: Orphanet 268, MedGen C1850889, MONDO:0009676, OMIM 253601.

Allele frequency attached by ClinVar (database versions not stated): ESP Exome Variant Server 0.00015; 1000 Genomes Project 30x 0.00016; TOPMed 0.00019; 1000 Genomes Project 0.00020.
gnomAD v4.1: 325 of 1,614,054 alleles (0.02%); highest among the groups gnomAD compares: Non-Finnish European, 0.025%; no homozygotes.

Submissions (6):

Labcorp Genetics (formerly Invitae), Labcorp
Classification: Likely benign for Neuromuscular disease caused by qualitative or quantitative defects of dysferlin. Last evaluated: 2025-12-16. Review status: criteria provided, single submitter. Criteria: Invitae Variant Classification Sherloc (09022015). Collection method: clinical testing. Allele origin: germline.

Mayo Clinic Laboratories, Mayo Clinic
Classification: Likely benign. Last evaluated: 2025-06-05. Review status: criteria provided, single submitter. Criteria: ACMG Guidelines, 2015. Collection method: clinical testing. Allele origin: germline. Observed: 1 variant allele.

Revvity Omics, Revvity
Classification: Uncertain significance. Last evaluated: 2023-06-29. Review status: criteria provided, single submitter. Criteria: ACMG Guidelines, 2015. Collection method: clinical testing. Allele origin: germline.

Eurofins Ntd Llc (ga)
Classification: Uncertain significance. Last evaluated: 2016-01-05. Review status: criteria provided, single submitter. Criteria: EGL Classification Definitions 2015. Collection method: clinical testing. Allele origin: germline. Observed: 1 variant allele, 1 heterozygote.

PreventionGenetics, part of Exact Sciences
Classification: Likely benign for DYSF-related condition. Last evaluated: 2022-01-03. Review status: no assertion criteria provided. Collection method: clinical testing. Allele origin: germline. Not counted in ClinVar's aggregate classification.
Comment: This variant is classified as likely benign based on ACMG/AMP sequence variant interpretation guidelines (Richards et al. 2015 PMID: 25741868, with internal and published modifications).

Natera, Inc.
Classification: Likely benign for Limb-girdle muscular dystrophy type 2B. Last evaluated: 2020-01-07. Review status: no assertion criteria provided. Collection method: clinical testing. Allele origin: germline. Not counted in ClinVar's aggregate classification.